The following is an entry in ClinVar:

ClinVar aggregate classification (germline): Likely benign. Review status: criteria provided, multiple submitters, no conflicts (2 of 4 stars). 2 submissions from 2 submitters: Likely benign (2). Last evaluated 2025-11-25.

Conditions:
Muscular dystrophy-dystroglycanopathy (congenital with impaired intellectual development), type B, 3. Also called: Muscular dystrophy-dystroglycanopathy (congenital with intellectual disability), type B3; MUSCULAR DYSTROPHY, CONGENITAL, POMGNT1-RELATED. Identifiers: MedGen C3150412, MONDO:0013155, OMIM 613151.
Autosomal recessive limb-girdle muscular dystrophy type 2O. Also called: Limb-Girdle Muscular Dystrophy Type 3C; MUSCULAR DYSTROPHY-DYSTROGLYCANOPATHY (LIMB-GIRDLE), TYPE C, 3; MUSCULAR DYSTROPHY-DYSTROGLYCANOPATHY, LIMB-GIRDLE, POMGNT1-RELATED. Identifiers: Orphanet 206564, MedGen C3150417, MONDO:0013161, OMIM 613157.

Allele frequency attached by ClinVar (database versions not stated): gnomAD exomes 0.00002 and below 0.00001; TOPMed 0.00008; gnomAD 0.00015 and 0.00011; ExAC 0.00003; ESP Exome Variant Server 0.00016.

Submissions (2):

Labcorp Genetics (formerly Invitae), Labcorp
Classification: Likely benign for Autosomal recessive limb-girdle muscular dystrophy type 2O; Muscular dystrophy-dystroglycanopathy (congenital with impaired intellectual development), type B, 3. Last evaluated: 2025-11-25. Review status: criteria provided, single submitter. Criteria: Invitae Variant Classification Sherloc (09022015). Collection method: clinical testing. Allele origin: germline.

GeneDx
Classification: Likely benign. Last evaluated: 2016-02-12. Review status: criteria provided, single submitter. Criteria: GeneDx Variant Classification (06012015). Collection method: clinical testing. Allele origin: germline. Affected: yes.
Comment: This variant is considered likely benign or benign based on one or more of the following criteria: it is a conservative change, it occurs at a poorly conserved position in the protein, it is predicted to be benign by multiple in silico algorithms, and/or has population frequency not consistent with disease.

NM_017739.4(POMGNT1):c.421-13_421-10dup

Genes: POMGNT1 (protein O-linked mannose N-acetylglucosaminyltransferase 1 (beta 1,2-); minus strand), TSPAN1 (tetraspanin 1; plus strand). Cytogenetic location: 1p34.1.
Variant type: Duplication.
Coding change: c.421-13_421-10dup on transcript NM_017739.4 (MANE Select); 13 bases into the intron before coding-DNA position 421 through 10 bases into the intron before coding-DNA position 421, 4 bases duplicated (TATC; older notation c.421-13_421-10dupTATC).
Molecular consequence: intron variant.
Genome position (GRCh38, 1-based): chr1:46,195,934-46,195,937, GATA duplicated on the plus strand (TATC on the coding strand, the reverse complement: POMGNT1 is on the minus strand). VCF-style (leftmost placement, unchanged base first): chr1-46195933-G-GGATA. GRCh37 (hg19) VCF-style: chr1-46661605-G-GGATA.
Other names: c.421-13_421-10dupTATC (NM_017739.3); c.355-13_355-10dup (NM_001438692.1, NM_001290129.3, NM_001438691.1); c.421-13_421-10dup (NM_001410783.1, NM_001438689.1, NM_001243766.2 and 3 more transcripts); c.-9-13_-9-10dup (NM_001290130.2).
Identifiers: ClinVar variation 420433 (VCV000420433.10), dbSNP rs772136218, ClinGen allele CA833730.